The following is an entry in ClinVar:

NM_147196.2(TMIE):c.(?_-216)_*(1276_?)dup

Gene: TMIE (transmembrane inner ear; plus strand). Cytogenetic location: 3p21.31.
Variant type: Duplication.
Identifiers: ClinVar variation 517316 (VCV000517316.4).

ClinVar aggregate classification (germline): Uncertain significance (1 of 4 stars; one submission).

Submission:

Laboratory for Molecular Medicine, Mass General Brigham Personalized Medicine
Classification: Uncertain significance. Last evaluated: 2017-03-15. Review status: criteria provided, single submitter. Criteria: LMM Criteria. Collection method: clinical testing. Allele origin: germline. Observed: 1 variant allele.
Comment: Variant classified as Uncertain Significance - Favor Benign. The whole gene dupl ication of TMIE has not been previously reported in individuals with hearing los s. The exact breakpoints of the detected duplication and therefore the breakpoin ts and its location in the genome could not be determined due to limitations of the testing methodology. Duplications spanning this region have been reported in 1 individual with structural brain abnormalities (DECIPHER 251627), 1 individua l without any reported clinical features (Mills 2011, DGV esv3596066) and in 4/8 205 South Asian chromosomes by the Exome Aggregation Consortium (ExAC). The available data suggests that TMIE-related hearing lo ss results from loss of TMIE function; however, this variant is not expected to disrupt the TMIE gene. In summary, while the clinical significance of this varia nt is uncertain, these data suggest that it is more likely to be benign.

Literature cited by the submitters: PubMed 21293372.